The following is an entry in ClinVar:

ClinVar aggregate classification (germline): Benign/Likely benign. Review status: criteria provided, multiple submitters, no conflicts (2 of 4 stars). 3 submissions from 3 submitters: Benign (1); Likely benign (1). 1 of the submissions does not count toward it. Last evaluated 2025-10-23.

Conditions:
LAMA5-related disorder. Also called: LAMA5-Related Disorders; LAMA5-related condition.
Inborn genetic diseases. Identifiers: MedGen C0950123, MeSH D030342.

Allele frequency attached by ClinVar (database versions not stated): gnomAD 0.00163; ESP Exome Variant Server 0.00178; TOPMed 0.00182; 1000 Genomes Project 30x 0.00203; 1000 Genomes Project 0.00240; ExAC 0.00054.
gnomAD v4.1: 534 of 1,610,292 alleles (0.033%); highest among the groups gnomAD compares: African/African-American, 0.64%; 2 homozygotes.

Submissions (3):

Labcorp Genetics (formerly Invitae), Labcorp
Classification: Benign. Last evaluated: 2025-10-23. Review status: criteria provided, single submitter. Criteria: Invitae Variant Classification Sherloc (09022015). Collection method: clinical testing. Allele origin: germline.

Ambry Genetics
Classification: Likely benign for Inborn genetic diseases. Last evaluated: 2024-06-16. Review status: criteria provided, single submitter. Criteria: Ambry Variant Classification Scheme 2023. Collection method: clinical testing. Allele origin: germline.

PreventionGenetics, part of Exact Sciences
Classification: Likely benign for LAMA5-related condition. Last evaluated: 2021-06-10. Review status: no assertion criteria provided. Collection method: clinical testing. Allele origin: germline. Not counted in ClinVar's aggregate classification.
Comment: This variant is classified as likely benign based on ACMG/AMP sequence variant interpretation guidelines (Richards et al. 2015 PMID: 25741868, with internal and published modifications).

NM_005560.6(LAMA5):c.7134G>C (p.Glu2378Asp)

Gene: LAMA5 (laminin subunit alpha 5; minus strand). Cytogenetic location: 20q13.33.
Variant type: single nucleotide variant.
Coding change: c.7134G>C on transcript NM_005560.6 (MANE Select); coding-DNA position 7134, G replaced by C.
Protein change: p.Glu2378Asp; replaces glutamic acid 2378 with aspartic acid.
Molecular consequence: missense variant.
Genome position (GRCh38, 1-based): chr20:62,318,559, C>G on the plus strand (G>C on the coding strand, the complement: LAMA5 is on the minus strand). VCF-style: chr20-62318559-C-G. GRCh37 (hg19) VCF-style: chr20-60893615-C-G.
Other names: c.7134G>C (NM_005560.4, NM_005560.3); short protein forms E2378D.
Identifiers: ClinVar variation 2063972 (VCV002063972.7), dbSNP rs79658450, ClinGen allele CA9941408.